The following is an entry in ClinVar:

ClinVar aggregate classification (germline): Pathogenic. Review status: criteria provided, multiple submitters, no conflicts (2 of 4 stars). 2 submissions from 2 submitters: Pathogenic (2). Last evaluated 2023-12-02.

Conditions:
Multiple congenital anomalies-hypotonia-seizures syndrome 1 (MCAHS1). Also called: PIGN-CDG; Congenital disorder of glycosylation due to PIGN deficiency; GLYCOSYLPHOSPHATIDYLINOSITOL BIOSYNTHESIS DEFECT 3. Identifiers: Orphanet 280633, MedGen C3279775, MONDO:0013563, OMIM 614080.

Submissions (2):

Labcorp Genetics (formerly Invitae), Labcorp
Classification: Pathogenic for Multiple congenital anomalies-hypotonia-seizures syndrome 1. Last evaluated: 2023-12-02. Review status: criteria provided, single submitter. Criteria: Invitae Variant Classification Sherloc (09022015). Collection method: clinical testing. Allele origin: germline.
Comment: This sequence change creates a premature translational stop signal (p.Trp506*) in the PIGN gene. It is expected to result in an absent or disrupted protein product. Loss-of-function variants in PIGN are known to be pathogenic (PMID: 24253414, 27038415). This variant is not present in population databases (gnomAD no frequency). This variant has not been reported in the literature in individuals affected with PIGN-related conditions. ClinVar contains an entry for this variant (Variation ID: 1686068). Algorithms developed to predict the effect of sequence changes on RNA splicing suggest that this variant may disrupt the consensus splice site. For these reasons, this variant has been classified as Pathogenic.

Mendelics
Classification: Pathogenic for Multiple congenital anomalies-hypotonia-seizures syndrome 1. Last evaluated: 2022-05-04. Review status: criteria provided, single submitter. Criteria: Mendelics Assertion Criteria 2019. Collection method: clinical testing. Allele origin: germline.

Literature cited by the submitters: PubMed 24253414 (cited by Labcorp Genetics (formerly Invitae), Labcorp); PubMed 27038415 (cited by Labcorp Genetics (formerly Invitae), Labcorp).

NM_176787.5(PIGN):c.1517G>A (p.Trp506Ter)

Gene: PIGN (phosphatidylinositol glycan anchor biosynthesis class N; minus strand). Cytogenetic location: 18q21.33.
Variant type: single nucleotide variant.
Coding change: c.1517G>A on transcript NM_176787.5 (MANE Select); coding-DNA position 1517, G replaced by A.
Protein change: p.Trp506Ter; replaces tryptophan 506 with a stop codon.
Molecular consequence: nonsense.
Genome position (GRCh38, 1-based): chr18:62,109,891, C>T on the plus strand (G>A on the coding strand, the complement: PIGN is on the minus strand). VCF-style: chr18-62109891-C-T. GRCh37 (hg19) VCF-style: chr18-59777124-C-T.
Other names: c.1517G>A, p.Trp506Ter (NM_012327.6); short protein forms W506*.
Identifiers: ClinVar variation 1686068 (VCV001686068.4), dbSNP rs2146506059, ClinGen allele CA402605463.